The following is an entry in ClinVar:

NM_001206927.2(DNAH8):c.1460A>C (p.His487Pro)

Genes: DNAH8 (dynein axonemal heavy chain 8; plus strand), LOC126859668 (P300/CBP strongly-dependent group 1 enhancer GRCh37_chr6:38723390-38724589; plus strand). Cytogenetic location: 6p21.2.
Variant type: single nucleotide variant.
Coding change: c.1460A>C on transcript NM_001206927.2 (MANE Select); coding-DNA position 1460, A replaced by C.
Protein change: p.His487Pro; replaces histidine 487 with proline.
Molecular consequence: missense variant.
Genome position (GRCh38, 1-based): chr6:38,756,024, A>C. VCF-style: chr6-38756024-A-C. GRCh37 (hg19) VCF-style: chr6-38723800-A-C.
Other names: c.809A>C, p.His270Pro (NM_001371.4); c.1460A>C (NM_001206927.1); short protein forms H270P, H487P.
Identifiers: ClinVar variation 1352959 (VCV001352959.7), dbSNP rs2127600635, ClinGen allele CA363986277.

ClinVar aggregate classification (germline): Uncertain significance. Review status: criteria provided, multiple submitters, no conflicts (2 of 4 stars). 2 submissions from 2 submitters: Uncertain significance (2). Last evaluated 2023-11-15.

Conditions:
Primary ciliary dyskinesia. Also called: Ciliary dyskinesia. Identifiers: Orphanet 244, MedGen C0008780, MONDO:0016575, HP:0012265.

Submissions (2):

Ambry Genetics
Classification: Uncertain significance. Last evaluated: 2023-11-15. Review status: criteria provided, single submitter. Criteria: Ambry Variant Classification Scheme 2023. Collection method: clinical testing. Allele origin: germline.

Labcorp Genetics (formerly Invitae), Labcorp
Classification: Uncertain significance for Primary ciliary dyskinesia. Last evaluated: 2021-11-22. Review status: criteria provided, single submitter. Criteria: Invitae Variant Classification Sherloc (09022015). Collection method: clinical testing. Allele origin: germline.
Comment: Algorithms developed to predict the effect of missense changes on protein structure and function are either unavailable or do not agree on the potential impact of this missense change (SIFT: "Deleterious"; PolyPhen-2: "Not Available"; Align-GVGD: "Class C0"). In summary, the available evidence is currently insufficient to determine the role of this variant in disease. Therefore, it has been classified as a Variant of Uncertain Significance. This variant has not been reported in the literature in individuals affected with DNAH8-related conditions. This variant is not present in population databases (gnomAD no frequency). This sequence change replaces histidine, which is basic and polar, with proline, which is neutral and non-polar, at codon 487 of the DNAH8 protein (p.His487Pro).